The following is an entry in ClinVar:

ClinVar aggregate classification (germline): Uncertain significance. Review status: criteria provided, multiple submitters, no conflicts (2 of 4 stars). 2 submissions from 2 submitters: Uncertain significance (2). Last evaluated 2025-06-04.

Conditions:
MYO18B-related disorder. Also called: MYO18B-related condition.

Allele frequency attached by ClinVar (database versions not stated): TOPMed below 0.00001; gnomAD 0.00001; gnomAD exomes 0.00001; ExAC 0.00003.
gnomAD v4.1: 14 of 1,609,540 alleles (0.00087%); highest among the groups gnomAD compares: Admixed American, 0.022%; no homozygotes.

Submissions (2):

PreventionGenetics, part of Exact Sciences
Classification: Uncertain significance for MYO18B-related condition. Last evaluated: 2025-06-04. Review status: criteria provided, single submitter. Criteria: ACMG Guidelines, 2015. Collection method: clinical testing. Allele origin: germline.
Comment: The MYO18B c.868A>G variant is predicted to result in the amino acid substitution p.Thr290Ala. To our knowledge, this variant has not been reported in the literature. This variant is reported in 0.027% of alleles in individuals of Latino descent in gnomAD. At this time, the clinical significance of this variant is uncertain due to the absence of conclusive functional and genetic evidence.

Labcorp Genetics (formerly Invitae), Labcorp
Classification: Uncertain significance. Last evaluated: 2024-10-18. Review status: criteria provided, single submitter. Criteria: Invitae Variant Classification Sherloc (09022015). Collection method: clinical testing. Allele origin: germline.
Comment: This sequence change replaces threonine, which is neutral and polar, with alanine, which is neutral and non-polar, at codon 290 of the MYO18B protein (p.Thr290Ala). This variant is present in population databases (rs769786511, gnomAD 0.03%). This variant has not been reported in the literature in individuals affected with MYO18B-related conditions. ClinVar contains an entry for this variant (Variation ID: 2416685). An algorithm developed to predict the effect of missense changes on protein structure and function (PolyPhen-2) suggests that this variant is likely to be tolerated. In summary, the available evidence is currently insufficient to determine the role of this variant in disease. Therefore, it has been classified as a Variant of Uncertain Significance.

NM_032608.7(MYO18B):c.868A>G (p.Thr290Ala)

Gene: MYO18B (myosin XVIIIB; plus strand). Cytogenetic location: 22q12.1.
Variant type: single nucleotide variant.
Coding change: c.868A>G on transcript NM_032608.7 (MANE Select); coding-DNA position 868, A replaced by G.
Protein change: p.Thr290Ala; replaces threonine 290 with alanine.
Molecular consequence: missense variant.
Genome position (GRCh38, 1-based): chr22:25,768,784, A>G. VCF-style: chr22-25768784-A-G. GRCh37 (hg19) VCF-style: chr22-26164751-A-G.
Other names: c.868A>G, p.Thr290Ala (NM_001318245.2); c.868A>G (NM_032608.6); short protein forms T290A.
Identifiers: ClinVar variation 2416685 (VCV002416685.7), dbSNP rs769786511, ClinGen allele CA10159709.
Genomic context (GRCh38, chr22:25,768,784, plus strand): 5'-GCCCAAGGGCCCGGCGAGGGGGTGCGACCAGGGAAAGCAGAGAAGGAGGGAGCAGAGCCC[A>G]CAAACACGGTGGAAAAGGGGAATGTCTCTAAGGACGTAGGGAGTGAAGGGAAGCACGTAA-3'
Protein context (NP_115997.5, residues 280-300): GKAEKEGAEP[Thr290Ala]NTVEKGNVSK